The following is an entry in ClinVar:

ClinVar aggregate classification (germline): Uncertain significance (1 of 4 stars; one submission).

Allele frequency attached by ClinVar (database versions not stated): gnomAD 0.00001; TOPMed 0.00004.
gnomAD v4.1: 1 of 1,202,183 alleles (0.000083%); highest among the groups gnomAD compares: African/African-American, 0.0017%; no homozygotes.

Submission:

Labcorp Genetics (formerly Invitae), Labcorp
Classification: Uncertain significance. Last evaluated: 2023-12-11. Review status: criteria provided, single submitter. Criteria: Invitae Variant Classification Sherloc (09022015). Collection method: clinical testing. Allele origin: germline.
Comment: This sequence change replaces glutamine, which is neutral and polar, with histidine, which is basic and polar, at codon 927 of the POLA1 protein (p.Gln927His). This variant is present in population databases (no rsID available, gnomAD 0.02%), including at least one homozygous and/or hemizygous individual. This variant has not been reported in the literature in individuals affected with POLA1-related conditions. ClinVar contains an entry for this variant (Variation ID: 1461169). Advanced modeling of protein sequence and biophysical properties (such as structural, functional, and spatial information, amino acid conservation, physicochemical variation, residue mobility, and thermodynamic stability) performed at Invitae indicates that this missense variant is expected to disrupt POLA1 protein function with a positive predictive value of 80%. In summary, the available evidence is currently insufficient to determine the role of this variant in disease. Therefore, it has been classified as a Variant of Uncertain Significance.

NM_001330360.2(POLA1):c.2799G>C (p.Gln933His)

Gene: POLA1 (DNA polymerase alpha 1, catalytic subunit; plus strand). Cytogenetic location: Xp22.11.
Variant type: single nucleotide variant.
Coding change: c.2799G>C on transcript NM_001330360.2 (MANE Select); coding-DNA position 2799, G replaced by C.
Protein change: p.Gln933His; replaces glutamine 933 with histidine.
Molecular consequence: missense variant. On other transcripts: non-coding transcript variant (2).
Genome position (GRCh38, 1-based): chrX:24,748,418, G>C. VCF-style: chrX-24748418-G-C. GRCh37 (hg19) VCF-style: chrX-24766535-G-C.
Other names: c.2724G>C, p.Gln908His (NM_001378303.1); c.2781G>C, p.Gln927His (NM_016937.4); short protein forms Q927H, Q933H, Q908H.
Identifiers: ClinVar variation 1461169 (VCV001461169.8), dbSNP rs1035175247, ClinGen allele CA326922822.